The following is an entry in ClinVar:

ClinVar aggregate classification (germline): Uncertain significance (1 of 4 stars; one submission).

Submission:

GeneDx
Classification: Uncertain significance. Last evaluated: 2023-01-10. Review status: criteria provided, single submitter. Criteria: GeneDx Variant Classification Process June 2021. Collection method: clinical testing. Allele origin: germline. Affected: yes.
Comment: Not observed at significant frequency in large population cohorts (gnomAD); In silico analysis supports that this missense variant has a deleterious effect on protein structure/function; Has not been previously published as pathogenic or benign to our knowledge

NM_001113491.2(SEPTIN9):c.871A>G (p.Lys291Glu)

Gene: SEPTIN9 (septin 9; plus strand). Cytogenetic location: 17q25.3.
Variant type: single nucleotide variant.
Coding change: c.871A>G on transcript NM_001113491.2 (MANE Select); coding-DNA position 871, A replaced by G.
Protein change: p.Lys291Glu; replaces lysine 291 with glutamic acid.
Molecular consequence: missense variant.
Genome position (GRCh38, 1-based): chr17:77,482,293, A>G. VCF-style: chr17-77482293-A-G. GRCh37 (hg19) VCF-style: chr17-75478375-A-G.
Other names: c.379A>G, p.Lys127Glu (NM_001113492.2, NM_001113494.1); c.850A>G, p.Lys284Glu (NM_001113493.2); c.118A>G, p.Lys40Glu (NM_001113495.2, NM_001113496.2, NM_001293697.2 and 1 more transcripts); c.814A>G, p.Lys272Glu (NM_001293695.2); c.199A>G, p.Lys67Glu (NM_001293696.2); c.817A>G, p.Lys273Glu (NM_006640.5); short protein forms K127E, K272E, K273E, K284E, K291E, K40E, K67E.
Identifiers: ClinVar variation 2571723 (VCV002571723.1), dbSNP rs2510084472, ClinGen allele CA401207979.